The following is an entry in ClinVar:

NM_138927.4(SON):c.5675A>G (p.Lys1892Arg)

Gene: SON (SON DNA and RNA binding protein; plus strand). Cytogenetic location: 21q22.11.
Variant type: single nucleotide variant.
Coding change: c.5675A>G on transcript NM_138927.4 (MANE Select); coding-DNA position 5675, A replaced by G.
Protein change: p.Lys1892Arg; replaces lysine 1892 with arginine.
Molecular consequence: missense variant. On other transcripts: non-coding transcript variant (1), intron variant (1).
Genome position (GRCh38, 1-based): chr21:33,554,906, A>G. VCF-style: chr21-33554906-A-G. GRCh37 (hg19) VCF-style: chr21-34927212-A-G.
Other names: c.5675A>G, p.Lys1892Arg (NM_001291411.2, NM_032195.3); c.245-2250A>G (NM_001291412.3); short protein forms K1892R.
Identifiers: ClinVar variation 3375020 (VCV003375020.2).

ClinVar aggregate classification (germline): Uncertain significance (1 of 4 stars; one submission).

gnomAD v4.1: 19 of 1,614,066 alleles (0.0012%); highest among the groups gnomAD compares: East Asian, 0.0089%; no homozygotes.

Submission:

Women's Health and Genetics/Laboratory Corporation of America, LabCorp
Classification: Uncertain significance. Last evaluated: 2025-08-19. Review status: criteria provided, single submitter. Criteria: LabCorp Variant Classification Summary - May 2015. Collection method: clinical testing. Allele origin: germline.
Comment: Variant summary: SON c.5675A>G (p.Lys1892Arg) results in a conservative amino acid change in the encoded protein sequence. Algorithms developed to predict the effect of missense changes on protein structure and function all suggest that this variant is likely to be tolerated. The variant allele was found at a frequency of 1.2e-05 in 251188 control chromosomes. The available data on variant occurrences in the general population are insufficient to allow any conclusion about variant significance. To our knowledge, no occurrence of c.5675A>G in individuals affected with ZTTK Syndrome and no experimental evidence demonstrating its impact on protein function have been reported. ClinVar contains an entry for this variant (Variation ID: 3375020). Based on the evidence outlined above, the variant was classified as uncertain significance.